The following is an entry in ClinVar:

ClinVar aggregate classification (germline): Uncertain significance (0 of 4 stars; one submission).

Conditions:
FMN1-related disorder. Also called: FMN1-related condition.

Submission:

PreventionGenetics, part of Exact Sciences
Classification: Uncertain significance for FMN1-related condition. Last evaluated: 2024-05-31. Review status: no assertion criteria provided. Collection method: clinical testing. Allele origin: germline.
Comment: The FMN1 c.3398A>G variant is predicted to result in the amino acid substitution p.Tyr1133Cys. To our knowledge, this variant has not been reported in the literature or in a large population database, indicating this variant is rare. At this time, the clinical significance of this variant is uncertain due to the absence of conclusive functional and genetic evidence.

NM_001277313.2(FMN1):c.4067A>G (p.Tyr1356Cys)

Gene: FMN1 (formin 1; minus strand). Cytogenetic location: 15q13.3.
Variant type: single nucleotide variant.
Coding change: c.4067A>G on transcript NM_001277313.2 (MANE Select); coding-DNA position 4067, A replaced by G.
Protein change: p.Tyr1356Cys; replaces tyrosine 1356 with cysteine.
Molecular consequence: missense variant.
Genome position (GRCh38, 1-based): chr15:32,798,867, T>C on the plus strand (A>G on the coding strand, the complement: FMN1 is on the minus strand). VCF-style: chr15-32798867-T-C. GRCh37 (hg19) VCF-style: chr15-33091068-T-C.
Other names: c.3398A>G, p.Tyr1133Cys (NM_001103184.4); short protein forms Y1133C, Y1356C.
Identifiers: ClinVar variation 3349398 (VCV003349398.1).
Genomic context (GRCh38, chr15:32,798,867, plus strand): 5'-TCTTTAGATATGTTTTTACTCTCCCGTTTCCAAATTGTCTTGAAGTCACTGCAGAACTCA[T>C]ACCACACCATAAACACGTAGCTGGGTGTGATCTCCTTCTCACCAGACTTTGGCTTCATCC-3'
Protein context (NP_001264242.1, residues 1346-1366): ITPSYVFMVW[Tyr1356Cys]EFCSDFKTIW